The following is an entry in ClinVar:

ClinVar aggregate classification (germline): Conflicting classifications of pathogenicity. Review status: criteria provided, conflicting classifications (1 of 4 stars). 7 submissions from 7 submitters: Uncertain significance (3); Likely benign (3). 1 of the submissions does not count toward it. Last evaluated 2026-01-28.

Conditions:
ANKRD11-related disorder. Also called: ANKRD11-related condition.
Inborn genetic diseases. Identifiers: MedGen C0950123, MeSH D030342.
KBG syndrome (KBGS). Also called: ANKRD11-Related KBG Syndrome. Identifiers: Orphanet 2332, MedGen C0220687, MONDO:0007846, OMIM 148050.

Allele frequency attached by ClinVar (database versions not stated): ExAC 0.00001; gnomAD exomes 0.00001; TOPMed 0.00001; ESP Exome Variant Server 0.00008.
gnomAD v4.1: 18 of 1,613,980 alleles (0.0011%); highest among the groups gnomAD compares: Non-Finnish European, 0.0013%; no homozygotes.

Submissions (7):

Women's Health and Genetics/Laboratory Corporation of America, LabCorp
Classification: Likely benign. Last evaluated: 2026-01-28. Review status: criteria provided, single submitter. Criteria: LabCorp Variant Classification Summary - May 2015. Collection method: clinical testing. Allele origin: germline.
Comment: Variant summary: ANKRD11 c.3418G>A (p.Ala1140Thr) results in a non-conservative amino acid change in the encoded protein sequence. Algorithms developed to predict the effect of missense changes on protein structure and function are either unavailable or do not agree on the potential impact of this missense change. The variant allele was found at a frequency of 8e-06 in 251250 control chromosomes (gnomAD). The variant has been reported in 146 internal samples and 8 homozygotes including several apparently unaffected homozygous individuals (Internal data), which supports a benign outcome of this variant. To our knowledge, no occurrence of c.3418G>A in individuals affected with ANKRD11-related conditions and no experimental evidence demonstrating its impact on protein function have been reported. ClinVar contains an entry for this variant (Variation ID: 434199). Based on the evidence outlined above, the variant was classified as likely benign.

Ambry Genetics
Classification: Uncertain significance for Inborn genetic diseases. Last evaluated: 2025-04-16. Review status: criteria provided, single submitter. Criteria: Ambry Variant Classification Scheme 2023. Collection method: clinical testing. Allele origin: germline.

Blueprint Genetics
Classification: Likely benign. Last evaluated: 2024-11-14. Review status: criteria provided, single submitter. Criteria: ACMG Guidelines, 2015. Collection method: clinical testing. Allele origin: germline.

Labcorp Genetics (formerly Invitae), Labcorp
Classification: Uncertain significance for KBG syndrome. Last evaluated: 2021-06-29. Review status: criteria provided, single submitter. Criteria: Invitae Variant Classification Sherloc (09022015). Collection method: clinical testing. Allele origin: germline.
Comment: This sequence change replaces alanine with threonine at codon 1140 of the ANKRD11 protein (p.Ala1140Thr). The alanine residue is moderately conserved and there is a small physicochemical difference between alanine and threonine. This variant is present in population databases (rs369869329, ExAC no frequency). This variant has not been reported in the literature in individuals affected with ANKRD11-related conditions. ClinVar contains an entry for this variant (Variation ID: 434199). Advanced modeling of protein sequence and biophysical properties (such as structural, functional, and spatial information, amino acid conservation, physicochemical variation, residue mobility, and thermodynamic stability) performed at Invitae indicates that this missense variant is not expected to disrupt ANKRD11 protein function. In summary, the available evidence is currently insufficient to determine the role of this variant in disease. Therefore, it has been classified as a Variant of Uncertain Significance.

GeneDx
Classification: Likely benign. Last evaluated: 2021-04-26. Review status: criteria provided, single submitter. Criteria: GeneDx Variant Classification Process June 2021. Collection method: clinical testing. Allele origin: germline. Affected: yes.

Genetic Services Laboratory, University of Chicago
Classification: Uncertain significance. Last evaluated: 2016-01-07. Review status: criteria provided, single submitter. Criteria: ACMG Guidelines, 2015. Collection method: clinical testing. Allele origin: germline. Affected: no.

PreventionGenetics, part of Exact Sciences
Classification: Likely benign for ANKRD11-related condition. Last evaluated: 2024-05-18. Review status: no assertion criteria provided. Collection method: clinical testing. Allele origin: germline. Not counted in ClinVar's aggregate classification.
Comment: This variant is classified as likely benign based on ACMG/AMP sequence variant interpretation guidelines (Richards et al. 2015 PMID: 25741868, with internal and published modifications).

NM_013275.6(ANKRD11):c.3418G>A (p.Ala1140Thr)

Gene: ANKRD11 (ankyrin repeat domain 11; minus strand). Cytogenetic location: 16q24.3.
Variant type: single nucleotide variant.
Coding change: c.3418G>A on transcript NM_013275.6 (MANE Select); coding-DNA position 3418, G replaced by A.
Protein change: p.Ala1140Thr; replaces alanine 1140 with threonine.
Molecular consequence: missense variant.
Genome position (GRCh38, 1-based): chr16:89,283,124, C>T on the plus strand (G>A on the coding strand, the complement: ANKRD11 is on the minus strand). VCF-style: chr16-89283124-C-T. GRCh37 (hg19) VCF-style: chr16-89349532-C-T.
Other names: c.3418G>A, p.Ala1140Thr (NM_001256182.2, NM_001256183.2); short protein forms A1140T.
Identifiers: ClinVar variation 434199 (VCV000434199.27), dbSNP rs369869329, ClinGen allele CA8242370.
Genomic context (GRCh38, chr16:89,283,124, plus strand): 5'-CATAGGCCTCCCGTCCTTCCTCCTTCTCCTGGAGGCCGTCCGTCCTCGGCAAGTCGCTGG[C>T]CTCTCCCATCTTGAACCCGCTCCCCATGCAGCTGTCTCTGTCGTCCTCACTCTCATCTGT-3'
Protein context (NP_037407.4, residues 1130-1150): CMGSGFKMGE[Ala1140Thr]SDLPRTDGLQ